The following is an entry in ClinVar:

NM_006445.4(PRPF8):c.249T>C (p.His83=)

Gene: PRPF8 (pre-mRNA processing factor 8; minus strand). Cytogenetic location: 17p13.3.
Variant type: single nucleotide variant.
Coding change: c.249T>C on transcript NM_006445.4 (MANE Select); coding-DNA position 249, T replaced by C.
Protein change: p.His83=; no amino-acid change (histidine 83 retained).
Molecular consequence: synonymous variant.
Genome position (GRCh38, 1-based): chr17:1,683,553, A>G on the plus strand (T>C on the coding strand, the complement: PRPF8 is on the minus strand). VCF-style: chr17-1683553-A-G. GRCh37 (hg19) VCF-style: chr17-1586847-A-G.
Other names: c.249T>C (NM_006445.3).
Identifiers: ClinVar variation 1157498 (VCV001157498.9), dbSNP rs371947480, ClinGen allele CA8272691.

ClinVar aggregate classification (germline): Likely benign. Review status: criteria provided, multiple submitters, no conflicts (2 of 4 stars). 3 submissions from 3 submitters: Likely benign (3). Last evaluated 2025-02-25.

Conditions:
PRPF8-related disorder. Also called: PRPF8-related condition.

Allele frequency attached by ClinVar (database versions not stated): gnomAD exomes 0.00001 and 0.00002; ExAC 0.00002; gnomAD 0.00007; ESP Exome Variant Server 0.00008; TOPMed 0.00011.
gnomAD v4.1: 19 of 1,614,080 alleles (0.0012%); highest among the groups gnomAD compares: African/African-American, 0.024%; no homozygotes.

Submissions (3):

PreventionGenetics, part of Exact Sciences
Classification: Likely benign for PRPF8-related condition. Last evaluated: 2025-02-25. Review status: criteria provided, single submitter. Criteria: ACMG Guidelines, 2015. Collection method: clinical testing. Allele origin: germline.
Comment: This variant is classified as likely benign based on ACMG/AMP sequence variant interpretation guidelines (Richards et al. 2015 PMID: 25741868, with internal and published modifications).

Labcorp Genetics (formerly Invitae), Labcorp
Classification: Likely benign. Last evaluated: 2025-02-13. Review status: criteria provided, single submitter. Criteria: Invitae Variant Classification Sherloc (09022015). Collection method: clinical testing. Allele origin: germline.

Blueprint Genetics
Classification: Likely benign. Last evaluated: 2019-09-19. Review status: criteria provided, single submitter. Criteria: ACMG Guidelines, 2015. Collection method: clinical testing. Allele origin: germline.